The following is an entry in ClinVar:

NM_003301.7(TRHR):c.123A>G (p.Val41=)

Gene: TRHR (thyrotropin releasing hormone receptor; plus strand). Cytogenetic location: 8q23.1.
Variant type: single nucleotide variant.
Coding change: c.123A>G on transcript NM_003301.7 (MANE Select); coding-DNA position 123, A replaced by G.
Protein change: p.Val41=; no amino-acid change (valine 41 retained).
Molecular consequence: synonymous variant.
Genome position (GRCh38, 1-based): chr8:109,087,635, A>G. VCF-style: chr8-109087635-A-G. GRCh37 (hg19) VCF-style: chr8-110099864-A-G.
Identifiers: ClinVar variation 715012 (VCV000715012.8), dbSNP rs5775, ClinGen allele CA4842773.

ClinVar aggregate classification (germline): Benign. Review status: criteria provided, multiple submitters, no conflicts (2 of 4 stars). 3 submissions from 3 submitters: Benign (2). 1 of the submissions does not count toward it. Last evaluated 2026-01-15.

Conditions:
TRHR-related disorder. Also called: TRHR-related condition.

Allele frequency attached by ClinVar (database versions not stated): 1000 Genomes Project 30x 0.00141; 1000 Genomes Project 0.00160; TOPMed 0.00177; gnomAD 0.00219 and 0.00222; ExAC 0.00242; ESP Exome Variant Server 0.00246.
gnomAD v4.1: 5,682 of 1,614,168 alleles (0.35%); highest among the groups gnomAD compares: Non-Finnish European, 0.44%; 11 homozygotes.

Submissions (3):

Labcorp Genetics (formerly Invitae), Labcorp
Classification: Benign. Last evaluated: 2026-01-15. Review status: criteria provided, single submitter. Criteria: Invitae Variant Classification Sherloc (09022015). Collection method: clinical testing. Allele origin: germline.

Breakthrough Genomics
Classification: Benign. Review status: criteria provided, single submitter. Criteria: ACMG Guidelines, 2015. Collection method: not provided. Allele origin: germline. Inheritance: Autosomal recessive inheritance. Affected: yes.

PreventionGenetics, part of Exact Sciences
Classification: Likely benign for TRHR-related condition. Last evaluated: 2024-01-22. Review status: no assertion criteria provided. Collection method: clinical testing. Allele origin: germline. Not counted in ClinVar's aggregate classification.
Comment: This variant is classified as likely benign based on ACMG/AMP sequence variant interpretation guidelines (Richards et al. 2015 PMID: 25741868, with internal and published modifications).